The following is an entry in ClinVar:

ClinVar aggregate classification (germline): Uncertain significance. Review status: criteria provided, multiple submitters, no conflicts (2 of 4 stars). 3 submissions from 3 submitters: Uncertain significance (3). Last evaluated 2024-12-20.

Conditions:
Hereditary cancer-predisposing syndrome. Also called: Hereditary Cancer Syndrome; Tumor predisposition; Hereditary neoplastic syndrome; Neoplastic Syndromes, Hereditary. Identifiers: Orphanet 140162, MedGen C0027672, MeSH D009386, MONDO:0015356.
Renal cell carcinoma. Identifiers: Orphanet 217071, MedGen C0007134, MeSH D002292, MONDO:0005086, HP:0005584.

Allele frequency attached by ClinVar (database versions not stated): gnomAD exomes below 0.00001; gnomAD 0.00001; TOPMed 0.00001.
gnomAD v4.1: 2 of 1,613,820 alleles (0.00012%); highest among the groups gnomAD compares: African/African-American, 0.0027%; no homozygotes.

Submissions (3):

Ambry Genetics
Classification: Uncertain significance for Hereditary cancer-predisposing syndrome. Last evaluated: 2024-12-20. Review status: criteria provided, single submitter. Criteria: Ambry Variant Classification Scheme 2023. Collection method: clinical testing. Allele origin: germline.
Comment: The p.G134S variant (also known as c.400G>A), located in coding exon 1 of the MET gene, results from a G to A substitution at nucleotide position 400. The glycine at codon 134 is replaced by serine, an amino acid with similar properties. This amino acid position is highly conserved in available vertebrate species. In addition, this alteration is predicted to be deleterious by in silico analysis. Based on the available evidence, the clinical significance of this variant remains unclear.

Labcorp Genetics (formerly Invitae), Labcorp
Classification: Uncertain significance for Renal cell carcinoma. Last evaluated: 2023-12-15. Review status: criteria provided, single submitter. Criteria: Invitae Variant Classification Sherloc (09022015). Collection method: clinical testing. Allele origin: germline.
Comment: This sequence change replaces glycine, which is neutral and non-polar, with serine, which is neutral and polar, at codon 134 of the MET protein (p.Gly134Ser). This variant is not present in population databases (gnomAD no frequency). This variant has not been reported in the literature in individuals affected with MET-related conditions. ClinVar contains an entry for this variant (Variation ID: 645035). Advanced modeling of protein sequence and biophysical properties (such as structural, functional, and spatial information, amino acid conservation, physicochemical variation, residue mobility, and thermodynamic stability) has been performed at Invitae for this missense variant, however the output from this modeling did not meet the statistical confidence thresholds required to predict the impact of this variant on MET protein function. In summary, the available evidence is currently insufficient to determine the role of this variant in disease. Therefore, it has been classified as a Variant of Uncertain Significance.

GeneDx
Classification: Uncertain significance. Last evaluated: 2019-05-16. Review status: criteria provided, single submitter. Criteria: GeneDx Variant Classification Process June 2021. Collection method: clinical testing. Allele origin: germline. Affected: yes.
Comment: Not observed in large population cohorts (Lek et al., 2016); In silico analysis, which includes protein predictors and evolutionary conservation, supports a deleterious effect; Has not been previously published as pathogenic or benign to our knowledge

NM_000245.4(MET):c.400G>A (p.Gly134Ser)

Gene: MET (MET proto-oncogene, receptor tyrosine kinase; plus strand). Cytogenetic location: 7q31.2.
Variant type: single nucleotide variant.
Coding change: c.400G>A on transcript NM_000245.4 (MANE Select); coding-DNA position 400, G replaced by A.
Protein change: p.Gly134Ser; replaces glycine 134 with serine.
Molecular consequence: missense variant. On other transcripts: intron variant (1).
Genome position (GRCh38, 1-based): chr7:116,699,484, G>A. VCF-style: chr7-116699484-G-A. GRCh37 (hg19) VCF-style: chr7-116339538-G-A.
Other names: c.400G>A, p.Gly134Ser (NM_001127500.3, NM_001324401.3); c.-91+26907G>A (NM_001324402.2); short protein forms G134S.
Identifiers: ClinVar variation 645035 (VCV000645035.12), dbSNP rs1584876675, ClinGen allele CA368968997.